The following is an entry in ClinVar:

ClinVar aggregate classification (germline): Uncertain significance. Review status: criteria provided, multiple submitters, no conflicts (2 of 4 stars). 2 submissions from 2 submitters: Uncertain significance (2). Last evaluated 2022-07-14.

Submissions (2):

Labcorp Genetics (formerly Invitae), Labcorp
Classification: Uncertain significance. Last evaluated: 2022-07-14. Review status: criteria provided, single submitter. Criteria: Invitae Variant Classification Sherloc (09022015). Collection method: clinical testing. Allele origin: germline.
Comment: This sequence change replaces glycine, which is neutral and non-polar, with aspartic acid, which is acidic and polar, at codon 444 of the MTTP protein (p.Gly444Asp). This variant is present in population databases (no rsID available, gnomAD 0.04%). This variant has not been reported in the literature in individuals affected with MTTP-related conditions. ClinVar contains an entry for this variant (Variation ID: 1317430). Algorithms developed to predict the effect of missense changes on protein structure and function are either unavailable or do not agree on the potential impact of this missense change (SIFT: "Not Available"; PolyPhen-2: "Benign"; Align-GVGD: "Not Available"). In summary, the available evidence is currently insufficient to determine the role of this variant in disease. Therefore, it has been classified as a Variant of Uncertain Significance.

GeneDx
Classification: Uncertain significance. Last evaluated: 2020-12-29. Review status: criteria provided, single submitter. Criteria: GeneDx Variant Classification Process June 2021. Collection method: clinical testing. Allele origin: germline. Affected: yes.
Comment: Not observed at a significant frequency in large population cohorts (Lek et al., 2016); In silico analysis supports that this variant does not alter protein structure/function; Has not been previously published as pathogenic or benign to our knowledge

NM_001386140.1(MTTP):c.1331_1332delinsAT (p.Gly444Asp)

Gene: MTTP (microsomal triglyceride transfer protein; plus strand). Cytogenetic location: 4q23.
Variant type: Indel.
Coding change: c.1331_1332delinsAT on transcript NM_001386140.1 (MANE Select); coding-DNA positions 1331 to 1332, GC replaced by AT.
Protein change: p.Gly444Asp; replaces glycine 444 with aspartic acid.
Molecular consequence: missense variant.
Genome position (GRCh38, 1-based): chr4:99,601,701-99,601,702, GC replaced by AT. VCF-style: chr4-99601701-GC-AT. GRCh37 (hg19) VCF-style: chr4-100522858-GC-AT.
Other names: c.1331_1332delinsAT, p.Gly444Asp (NM_000253.4); c.1082_1083delinsAT, p.Gly361Asp (NM_001300785.2); short protein forms G361D, G444D.
Identifiers: ClinVar variation 1317430 (VCV001317430.3), dbSNP rs2110225459, ClinGen allele CA2573052382.
Genomic context (GRCh38, chr4:99,601,701, plus strand): 5'-TCAGAGAAACTGTTATGATCATCACTGGGACACTTGTCAGAAAGTTGTGTCAGAATGAAG[GC>AT]TGCAAACTCAAAGTAAGTGCAAATCCAATCTCATGTATTACATCATTCTACACCATTGTC-3'
Protein context (NP_001373069.1, residues 434-454): TLVRKLCQNE[Gly444Asp]CKLKAVVEAK